The following is an entry in ClinVar:

ClinVar aggregate classification (germline): Benign/Likely benign. Review status: criteria provided, multiple submitters, no conflicts (2 of 4 stars). 8 submissions from 8 submitters: Benign (3); Likely benign (3). 2 of the submissions do not count toward it. Last evaluated 2024-11-26.

Conditions:
EFHC1-related disorder. Also called: EFHC1-related condition.
Myoclonic epilepsy, juvenile, susceptibility to, 1. Also called: Myoclonic Epilepsy, Juvenile, 1; EJM1. Identifiers: MedGen C1850778, MONDO:0020752, OMIM 254770.
Absence seizure. Also called: Absence epilepsy. Identifiers: Orphanet 1941, MedGen C0014553.
Juvenile myoclonic epilepsy (EJM). Also called: PETIT MAL, IMPULSIVE; JANZ SYNDROME. Identifiers: Orphanet 307, MedGen C0270853, MONDO:0009696.

Allele frequency attached by ClinVar (database versions not stated): gnomAD exomes 0.00065 and 0.00023; 1000 Genomes Project 30x 0.00344; ExAC 0.00085; gnomAD 0.00250 and 0.00264; TOPMed 0.00282; 1000 Genomes Project 0.00399; ESP Exome Variant Server 0.00277.
gnomAD v4.1: 754 of 1,614,234 alleles (0.047%); highest among the groups gnomAD compares: African/African-American, 0.86%; 4 homozygotes.

Submissions (8):

Blueprint Genetics
Classification: Likely benign. Last evaluated: 2024-11-26. Review status: criteria provided, single submitter. Criteria: ACMG Guidelines, 2015. Collection method: clinical testing. Allele origin: germline.

Labcorp Genetics (formerly Invitae), Labcorp
Classification: Benign for Myoclonic epilepsy, juvenile, susceptibility to, 1; Absence seizure. Last evaluated: 2024-10-30. Review status: criteria provided, single submitter. Criteria: Invitae Variant Classification Sherloc (09022015). Collection method: clinical testing. Allele origin: germline.

Athena Diagnostics
Classification: Benign for Myoclonic epilepsy, juvenile, susceptibility to, 1. Last evaluated: 2017-05-30. Review status: criteria provided, single submitter. Criteria: Athena Diagnostics Criteria. Collection method: clinical testing. Allele origin: germline.

Eurofins Ntd Llc (ga)
Classification: Likely benign. Last evaluated: 2014-08-06. Review status: criteria provided, single submitter. Criteria: EGL Classification Definitions 2015. Collection method: clinical testing. Allele origin: germline.

GeneDx
Classification: Benign. Last evaluated: 2013-09-20. Review status: criteria provided, single submitter. Criteria: GeneDx Variant Classification (06012015). Collection method: clinical testing. Allele origin: germline. Affected: yes.
Comment: This variant is considered likely benign or benign based on one or more of the following criteria: it is a conservative change, it occurs at a poorly conserved position in the protein, it is predicted to be benign by multiple in silico algorithms, and/or has population frequency not consistent with disease.

Breakthrough Genomics
Classification: Likely benign. Review status: criteria provided, single submitter. Criteria: ACMG Guidelines, 2015. Collection method: not provided. Allele origin: germline. Inheritance: Autosomal dominant inheritance. Affected: yes.

PreventionGenetics, part of Exact Sciences
Classification: Likely benign for EFHC1-related condition. Last evaluated: 2021-10-04. Review status: no assertion criteria provided. Collection method: clinical testing. Allele origin: germline. Not counted in ClinVar's aggregate classification.
Comment: This variant is classified as likely benign based on ACMG/AMP sequence variant interpretation guidelines (Richards et al. 2015 PMID: 25741868, with internal and published modifications).

Genetic Services Laboratory, University of Chicago
Classification: Likely benign for AllHighlyPenetrant. Review status: no assertion criteria provided. Collection method: clinical testing. Allele origin: germline. Not counted in ClinVar's aggregate classification.
Comment: Likely benign based on allele frequency in 1000 Genomes Project or ESP global frequency and its presence in a patient with a rare or unrelated disease phenotype. NOT Sanger confirmed.

Literature cited by the submitters: PubMed 27467453 (cited by Athena Diagnostics).

NM_018100.4(EFHC1):c.25T>C (p.Leu9=)

Gene: EFHC1 (EF-hand domain containing 1; plus strand). Cytogenetic location: 6p12.2.
Variant type: single nucleotide variant.
Coding change: c.25T>C on transcript NM_018100.4 (MANE Select); coding-DNA position 25, T replaced by C.
Protein change: p.Leu9=; no amino-acid change (leucine 9 retained).
Molecular consequence: synonymous variant. On other transcripts: non-coding transcript variant (1).
Genome position (GRCh38, 1-based): chr6:52,420,435, T>C. VCF-style: chr6-52420435-T-C. GRCh37 (hg19) VCF-style: chr6-52285233-T-C.
Other names: p.L9L:TTG>CTG.
Identifiers: ClinVar variation 128967 (VCV000128967.24), dbSNP rs149315015, ClinGen allele CA288807.
Genomic context (GRCh38, chr6:52,420,435, plus strand): 5'-AGCAGGACCTAGGTGGCGGCGGTGGTACCGGCTGCAATGGTGTCCAATCCCGTGCATGGC[T>C]TGCCCTTTCTTCCGGGCACGTCCTTTAAGGACTCTACGGTGAGCAGTTATCTGCCAGACT-3'
Protein context (NP_060570.2, residues 1-19): MVSNPVHG[Leu9=]PFLPGTSFKD